The following is an entry in ClinVar:

ClinVar aggregate classification (germline): Pathogenic (1 of 4 stars; one submission).

Conditions:
Infantile nephronophthisis (NPHP2). Also called: Nephronophthisis 2; Nephronophthisis 2, infantile. Identifiers: Orphanet 655, Orphanet 93591, MedGen C1865872, MONDO:0011190, OMIM 602088.

Submission:

Rady Children's Institute for Genomic Medicine, Rady Children's Hospital San Diego
Classification: Pathogenic for NEPHRONOPHTHISIS 2. Review status: criteria provided, single submitter. Criteria: ACMG Guidelines, 2015. Collection method: clinical testing. Allele origin: germline. Affected: yes.
Comment: This nonsense variant found in exon 4 of 17 is predicted to result in loss of normal protein function through either protein truncation or nonsense-mediated mRNA decay (NMD). This variant has not been previously reported or functionally characterized in the literature to our knowledge. The c.325C>T(p.Gln109Ter) variant is absent from the gnomAD population database and thus is presumed to be rare. Based on the available evidence, the c.325C>T(p.Gln109Ter) variant is classified as Pathogenic.

NM_014425.5(INVS):c.325C>T (p.Gln109Ter)

Gene: INVS (inversin; plus strand). Cytogenetic location: 9q31.1.
Variant type: single nucleotide variant.
Coding change: c.325C>T on transcript NM_014425.5 (MANE Select); coding-DNA position 325, C replaced by T.
Protein change: p.Gln109Ter; replaces glutamine 109 with a stop codon.
Molecular consequence: nonsense. On other transcripts: 5 prime UTR variant (1), non-coding transcript variant (1).
Genome position (GRCh38, 1-based): chr9:100,226,113, C>T. VCF-style: chr9-100226113-C-T. GRCh37 (hg19) VCF-style: chr9-102988395-C-T.
Other names: c.37C>T, p.Gln13Ter (NM_001318381.2); c.-665C>T (NM_001318382.2); short protein forms Q109*, Q13*.
Identifiers: ClinVar variation 2584431 (VCV002584431.1), dbSNP rs2491192429, ClinGen allele CA374359124.